The following is an entry in ClinVar:

NM_022552.5(DNMT3A):c.1375A>C (p.Lys459Gln)

Gene: DNMT3A (DNA methyltransferase 3 alpha; minus strand). Cytogenetic location: 2p23.3.
Variant type: single nucleotide variant.
Coding change: c.1375A>C on transcript NM_022552.5 (MANE Select); coding-DNA position 1375, A replaced by C.
Protein change: p.Lys459Gln; replaces lysine 459 with glutamine.
Molecular consequence: missense variant. On other transcripts: non-coding transcript variant (1).
Genome position (GRCh38, 1-based): chr2:25,246,214, T>G on the plus strand (A>C on the coding strand, the complement: DNMT3A is on the minus strand). VCF-style: chr2-25246214-T-G. GRCh37 (hg19) VCF-style: chr2-25469083-T-G.
Other names: c.919A>C, p.Lys307Gln (NM_001320893.1); c.706A>C, p.Lys236Gln (NM_001375819.1); c.808A>C, p.Lys270Gln (NM_153759.3); c.1375A>C, p.Lys459Gln (NM_175629.2); short protein forms K236Q, K270Q, K307Q, K459Q.
Identifiers: ClinVar variation 4870006 (VCV004870006.1).

ClinVar aggregate classification (germline): Uncertain significance (1 of 4 stars; one submission).

Conditions:
Inborn genetic diseases. Identifiers: MedGen C0950123, MeSH D030342.

Submission:

Ambry Genetics
Classification: Uncertain significance for Inborn genetic diseases. Last evaluated: 2026-04-12. Review status: criteria provided, single submitter. Criteria: Ambry Variant Classification Scheme 2023. Collection method: clinical testing. Allele origin: germline.
Comment: The p.K459Q variant (also known as c.1375A>C), located in coding exon 10 of the DNMT3A gene, results from an A to C substitution at nucleotide position 1375. The lysine at codon 459 is replaced by glutamine, an amino acid with similar properties. This amino acid position is conserved. In addition, the in silico prediction for this alteration is inconclusive. Based on the available evidence, the clinical significance of this variant remains unclear.